The following is an entry in ClinVar:

NM_000489.6(ATRX):c.6618A>G (p.Glu2206=)

Gene: ATRX (ATRX chromatin remodeler; minus strand). Cytogenetic location: Xq21.1.
Variant type: single nucleotide variant.
Coding change: c.6618A>G on transcript NM_000489.6 (MANE Select); coding-DNA position 6618, A replaced by G.
Protein change: p.Glu2206=; no amino-acid change (glutamic acid 2206 retained).
Molecular consequence: synonymous variant.
Genome position (GRCh38, 1-based): chrX:77,557,532, T>C on the plus strand (A>G on the coding strand, the complement: ATRX is on the minus strand). VCF-style: chrX-77557532-T-C. GRCh37 (hg19) VCF-style: chrX-76813003-T-C.
Other names: c.6504A>G, p.Glu2168= (NM_138270.5).
Identifiers: ClinVar variation 994993 (VCV000994993.34), dbSNP rs2064850147, ClinGen allele CA517374038.

ClinVar aggregate classification (germline): Conflicting classifications of pathogenicity. Review status: criteria provided, conflicting classifications (1 of 4 stars). 3 submissions from 3 submitters: Uncertain significance (2); Likely benign (1). Last evaluated 2025-12-02.

Conditions:
Alpha thalassemia-X-linked intellectual disability syndrome (ATRX). Also called: ALPHA-THALASSEMIA/MENTAL RETARDATION SYNDROME, X-LINKED; ATR, NONDELETION TYPE; ATR-X syndrome; Alpha thalassemia mental retardation syndrome, nondeletion type, X-linked; XLMR hypotonic face syndrome; X-linked alpha-thalassemia-mental retardation syndrome. Identifiers: Orphanet 847, MedGen C1845055, MONDO:0010519, OMIM 301040.

Allele frequency attached by ClinVar (database versions not stated): gnomAD exomes below 0.00001; TOPMed below 0.00001.
gnomAD v4.1: 1 of 1,209,753 alleles (0.000083%); highest among the groups gnomAD compares: South Asian, 0.0018%; no homozygotes.

Submissions (3):

Labcorp Genetics (formerly Invitae), Labcorp
Classification: Likely benign for Alpha thalassemia-X-linked intellectual disability syndrome. Last evaluated: 2025-12-02. Review status: criteria provided, single submitter. Criteria: Invitae Variant Classification Sherloc (09022015). Collection method: clinical testing. Allele origin: germline.

CeGaT Center for Human Genetics Tuebingen
Classification: Uncertain significance. Last evaluated: 2023-06-01. Review status: criteria provided, single submitter. Criteria: CeGaT Center For Human Genetics Tuebingen Variant Classification Criteria Version 2. Collection method: clinical testing. Allele origin: germline. Affected: yes. Observed: 1 variant allele.
Comment: ATRX: PM2:Supporting, BP4

Athena Diagnostics
Classification: Uncertain significance. Last evaluated: 2020-07-30. Review status: criteria provided, single submitter. Criteria: Athena Diagnostics Criteria. Collection method: clinical testing. Allele origin: unknown.